The following is an entry in ClinVar:

ClinVar aggregate classification (germline): Uncertain significance (1 of 4 stars; one submission).

Conditions:
Ataxia-telangiectasia syndrome (AT). Also called: Ataxia-telangiectasia, complementation group E; Ataxia-telangiectasia; ATAXIA-TELANGIECTASIA, COMPLEMENTATION GROUP A; Ataxia-telangiectasia, complementation group D; Ataxia telangiectasia (A-T); LOUIS-BAR SYNDROME. Identifiers: Orphanet 100, MedGen C0004135, MONDO:0008840, OMIM 208900.

Submission:

Labcorp Genetics (formerly Invitae), Labcorp
Classification: Uncertain significance for Ataxia-telangiectasia syndrome. Last evaluated: 2022-06-03. Review status: criteria provided, single submitter. Criteria: Invitae Variant Classification Sherloc (09022015). Collection method: clinical testing. Allele origin: germline.
Comment: In summary, the available evidence is currently insufficient to determine the role of this variant in disease. Therefore, it has been classified as a Variant of Uncertain Significance. Advanced modeling of protein sequence and biophysical properties (such as structural, functional, and spatial information, amino acid conservation, physicochemical variation, residue mobility, and thermodynamic stability) performed at Invitae indicates that this missense variant is not expected to disrupt ATM protein function. This variant has not been reported in the literature in individuals affected with ATM-related conditions. This variant is not present in population databases (gnomAD no frequency). This sequence change replaces lysine, which is basic and polar, with asparagine, which is neutral and polar, at codon 797 of the ATM protein (p.Lys797Asn).

NM_000051.4(ATM):c.2391G>T (p.Lys797Asn)

Gene: ATM (ATM serine/threonine kinase; plus strand). Cytogenetic location: 11q22.3.
Variant type: single nucleotide variant.
Coding change: c.2391G>T on transcript NM_000051.4 (MANE Select); coding-DNA position 2391, G replaced by T.
Protein change: p.Lys797Asn; replaces lysine 797 with asparagine.
Molecular consequence: missense variant.
Genome position (GRCh38, 1-based): chr11:108,259,000, G>T. VCF-style: chr11-108259000-G-T. GRCh37 (hg19) VCF-style: chr11-108129727-G-T.
Other names: c.2391G>T, p.Lys797Asn (NM_001351834.2); short protein forms K797N.
Identifiers: ClinVar variation 2002151 (VCV002002151.4), dbSNP rs1323675187, ClinGen allele CA382541081.